The following is an entry in ClinVar:

ClinVar aggregate classification (germline): Uncertain significance (1 of 4 stars; one submission).

Conditions:
Desbuquois dysplasia 1 (DBQD1). Also called: MICROMELIC DWARFISM WITH VERTEBRAL AND METAPHYSEAL ABNORMALITIES AND ADVANCED CARPOTARSAL OSSIFICATION; DESBUQUOIS DYSPLASIA 1, KIM VARIANT. Identifiers: Orphanet 1425, MedGen C4012146, MONDO:0009629, OMIM 251450.

Allele frequency attached by ClinVar (database versions not stated): TOPMed below 0.00001.
gnomAD v4.1: 2 of 1,613,146 alleles (0.00012%); highest among the groups gnomAD compares: Non-Finnish European, 0.00017%; no homozygotes.

Submission:

Labcorp Genetics (formerly Invitae), Labcorp
Classification: Uncertain significance for Desbuquois dysplasia 1. Last evaluated: 2021-02-09. Review status: criteria provided, single submitter. Criteria: Invitae Variant Classification Sherloc (09022015). Collection method: clinical testing. Allele origin: germline.
Comment: Algorithms developed to predict the effect of missense changes on protein structure and function output the following: SIFT: "Tolerated"; PolyPhen-2: "Benign"; Align-GVGD: "Class C0". The asparagine amino acid residue is found in multiple mammalian species, suggesting that this missense change does not adversely affect protein function. These predictions have not been confirmed by published functional studies and their clinical significance is uncertain. In summary, the available evidence is currently insufficient to determine the role of this variant in disease. Therefore, it has been classified as a Variant of Uncertain Significance. This sequence change replaces lysine with asparagine at codon 309 of the XYLT1 protein (p.Lys309Asn). The lysine residue is moderately conserved and there is a moderate physicochemical difference between lysine and asparagine. This variant is not present in population databases (ExAC no frequency). This variant has not been reported in the literature in individuals with XYLT1-related conditions.

NM_022166.4(XYLT1):c.927G>C (p.Lys309Asn)

Gene: XYLT1 (xylosyltransferase 1; minus strand). Cytogenetic location: 16p12.3.
Variant type: single nucleotide variant.
Coding change: c.927G>C on transcript NM_022166.4 (MANE Select); coding-DNA position 927, G replaced by C.
Protein change: p.Lys309Asn; replaces lysine 309 with asparagine.
Molecular consequence: missense variant.
Genome position (GRCh38, 1-based): chr16:17,200,641, C>G on the plus strand (G>C on the coding strand, the complement: XYLT1 is on the minus strand). VCF-style: chr16-17200641-C-G. GRCh37 (hg19) VCF-style: chr16-17294498-C-G.
Other names: short protein forms K309N.
Identifiers: ClinVar variation 1000522 (VCV001000522.8), dbSNP rs1368460695, ClinGen allele CA394886865.
Genomic context (GRCh38, chr16:17,200,641, plus strand): 5'-GGCGATTCTGACCGGGTTGGCTGGCATGTACTCCACGGAGTCCTCGTCCCACTGCACGTT[C>G]TTGTTGGCTTTACCTGGGGAAAATCCAAGAGAACAGAGAGGAGAAAGTGAGGCTCTGCCA-3'
Protein context (NP_071449.1, residues 299-319): RFCPLEGKAN[Lys309Asn]NVQWDEDSVE